The following is an entry in ClinVar:

NM_000535.7(PMS2):c.157A>T (p.Asn53Tyr)

Gene: PMS2 (PMS1 homolog 2, mismatch repair system component; minus strand). Cytogenetic location: 7p22.1.
Variant type: single nucleotide variant.
Coding change: c.157A>T on transcript NM_000535.7 (MANE Select); coding-DNA position 157, A replaced by T.
Protein change: p.Asn53Tyr; replaces asparagine 53 with tyrosine.
Molecular consequence: missense variant. On other transcripts: 5 prime UTR variant (8), non-coding transcript variant (1), intron variant (3).
Genome position (GRCh38, 1-based): chr7:6,005,898, T>A on the plus strand (A>T on the coding strand, the complement: PMS2 is on the minus strand). VCF-style: chr7-6005898-T-A. GRCh37 (hg19) VCF-style: chr7-6045529-T-A.
Other names: c.-249A>T (NM_001322003.2, NM_001322005.2, NM_001322009.2 and 1 more transcripts); c.157A>T, p.Asn53Tyr (NM_001322006.2, NM_001322014.2); c.-59A>T (NM_001322007.2); c.-728A>T (NM_001322011.2, NM_001322012.2); c.-328A>T (NM_001322015.2); c.-52-1840A>T (NM_001322008.2); c.-242-1840A>T (NM_001322010.2, NM_001322004.2); short protein forms N53Y.
Identifiers: ClinVar variation 525775 (VCV000525775.8), dbSNP rs1554306309, ClinGen allele CA366744956.

ClinVar aggregate classification (germline): Uncertain significance (1 of 4 stars; one submission).

Conditions:
Hereditary nonpolyposis colorectal neoplasms. Identifiers: MedGen C0009405, MeSH D003123.

Submission:

Labcorp Genetics (formerly Invitae), Labcorp
Classification: Uncertain significance for Hereditary nonpolyposis colorectal neoplasms. Last evaluated: 2024-11-03. Review status: criteria provided, single submitter. Criteria: Invitae Variant Classification Sherloc (09022015). Collection method: clinical testing. Allele origin: germline.
Comment: This sequence change replaces asparagine, which is neutral and polar, with tyrosine, which is neutral and polar, at codon 53 of the PMS2 protein (p.Asn53Tyr). This variant is not present in population databases (gnomAD no frequency). This missense change has been observed in individual(s) with breast cancer (PMID: 35449176). ClinVar contains an entry for this variant (Variation ID: 525775). Invitae Evidence Modeling incorporating data from in vitro experimental studies (internal data) indicates that this missense variant is not expected to disrupt PMS2 function with a negative predictive value of 95%. In summary, the available evidence is currently insufficient to determine the role of this variant in disease. Therefore, it has been classified as a Variant of Uncertain Significance.

Literature cited by the submitters: PubMed 35449176.